The following is an entry in ClinVar:

ClinVar aggregate classification (germline): Uncertain significance. Review status: criteria provided, multiple submitters, no conflicts (2 of 4 stars). 2 submissions from 2 submitters: Uncertain significance (2). Last evaluated 2023-04-07.

Conditions:
Inborn genetic diseases. Identifiers: MedGen C0950123, MeSH D030342.
Combined oxidative phosphorylation defect type 27. Also called: Combined oxidative phosphorylation deficiency 27. Identifiers: Orphanet 477774, MedGen C5567608, MONDO:0014728, OMIM 616672.

Allele frequency attached by ClinVar (database versions not stated): gnomAD 0.00001; TOPMed 0.00003; gnomAD exomes 0.00004.
gnomAD v4.1: 9 of 1,456,830 alleles (0.00062%); highest among the groups gnomAD compares: Non-Finnish European, 0.00081%; no homozygotes.

Submissions (2):

Ambry Genetics
Classification: Uncertain significance for Inborn genetic diseases. Last evaluated: 2023-04-07. Review status: criteria provided, single submitter. Criteria: Ambry Variant Classification Scheme 2023. Collection method: clinical testing. Allele origin: germline.

Labcorp Genetics (formerly Invitae), Labcorp
Classification: Uncertain significance for Combined oxidative phosphorylation defect type 27. Last evaluated: 2022-07-05. Review status: criteria provided, single submitter. Criteria: Invitae Variant Classification Sherloc (09022015). Collection method: clinical testing. Allele origin: germline.
Comment: This sequence change replaces tryptophan, which is neutral and slightly polar, with cysteine, which is neutral and slightly polar, at codon 28 of the CARS2 protein (p.Trp28Cys). The frequency data for this variant in the population databases is considered unreliable, as metrics indicate poor data quality at this position in the gnomAD database. This variant has not been reported in the literature in individuals affected with CARS2-related conditions. ClinVar contains an entry for this variant (Variation ID: 1001034). Algorithms developed to predict the effect of missense changes on protein structure and function output the following: SIFT: "Tolerated"; PolyPhen-2: "Benign"; Align-GVGD: "Class C0". The cysteine amino acid residue is found in multiple mammalian species, which suggests that this missense change does not adversely affect protein function. In summary, the available evidence is currently insufficient to determine the role of this variant in disease. Therefore, it has been classified as a Variant of Uncertain Significance.

NM_024537.4(CARS2):c.84G>T (p.Trp28Cys)

Genes: CARS2 (cysteinyl-tRNA synthetase 2, mitochondrial; minus strand), LOC130010127 (ATAC-STARR-seq lymphoblastoid silent region 5509; plus strand). Cytogenetic location: 13q34.
Variant type: single nucleotide variant.
Coding change: c.84G>T on transcript NM_024537.4 (MANE Select); coding-DNA position 84, G replaced by T.
Protein change: p.Trp28Cys; replaces tryptophan 28 with cysteine.
Molecular consequence: missense variant. On other transcripts: non-coding transcript variant (1), intron variant (1).
Genome position (GRCh38, 1-based): chr13:110,706,010, C>A on the plus strand (G>T on the coding strand, the complement: CARS2 is on the minus strand). VCF-style: chr13-110706010-C-A. GRCh37 (hg19) VCF-style: chr13-111358357-C-A.
Other names: c.-776+361G>T (NM_001352252.2); c.84G>T (NM_024537.2); c.84G>T, p.Trp28Cys (NM_001352253.3); short protein forms W28C.
Identifiers: ClinVar variation 1001034 (VCV001001034.5), dbSNP rs1388391654, ClinGen allele CA388743349.